The following is an entry in ClinVar:

NM_007294.4(BRCA1):c.135-12T>G

Gene: BRCA1 (BRCA1 DNA repair associated; minus strand). Cytogenetic location: 17q21.31.
Variant type: single nucleotide variant.
Coding change: c.135-12T>G on transcript NM_007294.4 (MANE Select); 12 bases into the intron before coding-DNA position 135, T replaced by G.
Molecular consequence: intron variant.
Genome position (GRCh38, 1-based): chr17:43,106,545, A>C on the plus strand (T>G on the coding strand, the complement: BRCA1 is on the minus strand). VCF-style: chr17-43106545-A-C. GRCh37 (hg19) VCF-style: chr17-41258562-A-C.
Other names: c.-7-12T>G (NM_001408458.1, NM_001407931.1, NM_001407747.1 and 99 more transcripts); c.-218-11685T>G (NM_001407967.1, NM_001407966.1); c.-169-1589T>G (NM_001407959.1, NM_001407962.1, NM_001408512.1 and 4 more transcripts); c.-54-12T>G (NM_001407885.1, NM_001407886.1, NM_001407898.1 and 58 more transcripts); c.135-12T>G (NM_001407686.1, NM_001408397.1, NM_001407632.1 and 167 more transcripts); c.81-1589T>G (NM_001408451.1); c.135-1589T>G (NM_001408475.1, NM_001407875.1, NM_001407659.1 and 21 more transcripts).
Identifiers: ClinVar variation 867251 (VCV000867251.3), dbSNP rs2054798886, ClinGen allele CA916080932.

Conditions:
Breast-ovarian cancer, familial, susceptibility to, 1 (BROVCA1). Also called: BRCA1 Hereditary Breast and Ovarian Cancer; OVARIAN CANCER, SUSCEPTIBILITY TO. Identifiers: Orphanet 145, MedGen C2676676, MONDO:0011450, OMIM 604370. Disease mechanism: loss of function.

Submission:

Brotman Baty Institute, University of Washington
No classification provided (evidence only). Condition: Breast-ovarian cancer, familial 1. Review status: no classification provided. Collection method: in vitro. Allele origin: not applicable. Functional consequence: functionally_normal.
ClinVar note: "not provided" was previously submitted as the classification for the variant. However, the classification appeared to be based only on an observation of functional data so it was converted to no classification on 2025-07-30.